The following is an entry in ClinVar:

NM_000548.5(TSC2):c.5034C>A (p.Tyr1678Ter)

Gene: TSC2 (TSC complex subunit 2; plus strand). Cytogenetic location: 16p13.3.
Variant type: single nucleotide variant.
Coding change: c.5034C>A on transcript NM_000548.5 (MANE Select); coding-DNA position 5034, C replaced by A.
Protein change: p.Tyr1678Ter; replaces tyrosine 1678 with a stop codon.
Molecular consequence: nonsense.
Genome position (GRCh38, 1-based): chr16:2,087,907, C>A. VCF-style: chr16-2087907-C-A. GRCh37 (hg19) VCF-style: chr16-2137908-C-A.
Other names: c.4833C>A, p.Tyr1611Ter (NM_001077183.3); c.4965C>A, p.Tyr1655Ter (NM_001114382.3); c.4725C>A, p.Tyr1575Ter (NM_001318827.2); c.4689C>A, p.Tyr1563Ter (NM_001318829.2); c.4302C>A, p.Tyr1434Ter (NM_001318831.2); c.4866C>A, p.Tyr1622Ter (NM_001318832.2); c.4836C>A, p.Tyr1612Ter (NM_001363528.2); c.4902C>A, p.Tyr1634Ter (NM_001370404.1); and 1 more; short protein forms Y1678*, Y1611*, Y1612*, Y1434*, Y1563*, Y1622*, Y1635*, Y1655*.
Identifiers: ClinVar variation 49437 (VCV000049437.7), dbSNP rs45467993, ClinGen allele CA021559.

ClinVar aggregate classification (germline): Pathogenic. Review status: criteria provided, single submitter (1 of 4 stars). 2 submissions from 2 submitters: Pathogenic (1). 1 of the submissions does not count toward it. Last evaluated 2021-03-29.

Conditions:
Tuberous sclerosis syndrome (TSC). Also called: Tuberous Sclerosis Complex; Tuberous sclerosis. Identifiers: Orphanet 805, MedGen C0041341, MONDO:0001734.
Tuberous sclerosis 2 (TSC2). Identifiers: Orphanet 805, MedGen C1860707, MONDO:0013199, OMIM 613254.

Submissions (2):

Labcorp Genetics (formerly Invitae), Labcorp
Classification: Pathogenic for Tuberous sclerosis 2. Last evaluated: 2021-03-29. Review status: criteria provided, single submitter. Criteria: Invitae Variant Classification Sherloc (09022015). Collection method: clinical testing. Allele origin: germline.
Comment: For these reasons, this variant has been classified as Pathogenic. This nonsense change has been observed in individual(s) with tuberous sclerosis (PMID: 15595939, Invitae). ClinVar contains an entry for this variant (Variation ID: 49437). This variant is not present in population databases (ExAC no frequency). This sequence change creates a premature translational stop signal (p.Tyr1678*) in the TSC2 gene. It is expected to result in an absent or disrupted protein product. Loss-of-function variants in TSC2 are known to be pathogenic (PMID: 10205261, 17304050).

Tuberous sclerosis database (TSC2)
No classification provided. Condition: TSC. Review status: no classification provided. Criteria: Tuberous Sclerosis Database Assertion Criteria 2015. Collection method: curation. Allele origin: germline. Affected: yes. Not counted in ClinVar's aggregate classification.

Literature cited by the submitters: PubMed 15595939 (cited by Labcorp Genetics (formerly Invitae), Labcorp); PubMed 10205261 (cited by Labcorp Genetics (formerly Invitae), Labcorp); PubMed 17304050 (cited by Labcorp Genetics (formerly Invitae), Labcorp).